The following is an entry in ClinVar:

NM_001098.3(ACO2):c.2055C>G (p.Ala685=)

Genes: ACO2 (aconitase 2; plus strand), POLR3H (RNA polymerase III subunit H; minus strand). Cytogenetic location: 22q13.2.
Variant type: single nucleotide variant.
Coding change: c.2055C>G on transcript NM_001098.3 (MANE Select); coding-DNA position 2055, C replaced by G.
Protein change: p.Ala685=; no amino-acid change (alanine 685 retained).
Molecular consequence: synonymous variant. On other transcripts: 3 prime UTR variant (5).
Genome position (GRCh38, 1-based): chr22:41,527,389, C>G. VCF-style: chr22-41527389-C-G. GRCh37 (hg19) VCF-style: chr22-41923393-C-G.
Other names: c.*1894G>C (NM_001018050.4, NM_001018052.4, NM_001282884.2 and 2 more transcripts).
Identifiers: ClinVar variation 3349264 (VCV003349264.1).
Genomic context (GRCh38, chr22:41,527,389, plus strand): 5'-CGGCGAGGGCTCGAGCCGGGAGCATGCAGCTCTGGAGCCTCGCCACCTTGGGGGCCGGGC[C>G]ATCATCACCAAGAGCTTTGCCAGGATCCACGGTGAGCTGGAGTCTGTACCCAGGCCATCC-3'
Protein context (NP_001089.1, residues 675-695): ALEPRHLGGR[Ala685=]IITKSFARIH

ClinVar aggregate classification (germline): Likely benign (0 of 4 stars; one submission).

Conditions:
ACO2-related disorder. Also called: ACO2-Related Disorders.

gnomAD v4.1: 3 of 1,613,390 alleles (0.00019%); highest among the groups gnomAD compares: African/African-American, 0.0027%; no homozygotes.

Submission:

PreventionGenetics, part of Exact Sciences
Classification: Likely benign for ACO2-related condition. Last evaluated: 2024-03-07. Review status: no assertion criteria provided. Collection method: clinical testing. Allele origin: germline.
Comment: This variant is classified as likely benign based on ACMG/AMP sequence variant interpretation guidelines (Richards et al. 2015 PMID: 25741868, with internal and published modifications).